The following is an entry in ClinVar:

ClinVar aggregate classification (germline): Uncertain significance (1 of 4 stars; one submission).

Conditions:
Hereditary spastic paraplegia 39 (SPG39). Also called: Spastic Paraplegia Type 39 (SPG39); SPASTIC PARAPLEGIA 39, AUTOSOMAL RECESSIVE. Identifiers: Orphanet 139480, MedGen C2677586, MONDO:0012787, OMIM 612020.

Allele frequency attached by ClinVar (database versions not stated): ExAC 0.00001; gnomAD 0.00001.
gnomAD v4.1: 5 of 1,590,582 alleles (0.00031%); highest among the groups gnomAD compares: Non-Finnish European, 0.00043%; no homozygotes.

Submission:

Labcorp Genetics (formerly Invitae), Labcorp
Classification: Uncertain significance for Hereditary spastic paraplegia 39. Last evaluated: 2022-02-20. Review status: criteria provided, single submitter. Criteria: Invitae Variant Classification Sherloc (09022015). Collection method: clinical testing. Allele origin: germline.
Comment: In summary, the available evidence is currently insufficient to determine the role of this variant in disease. Therefore, it has been classified as a Variant of Uncertain Significance. Algorithms developed to predict the effect of missense changes on protein structure and function (SIFT, PolyPhen-2, Align-GVGD) all suggest that this variant is likely to be tolerated. This variant has not been reported in the literature in individuals affected with PNPLA6-related conditions. The frequency data for this variant in the population databases is considered unreliable, as metrics indicate poor data quality at this position in the gnomAD database. This sequence change replaces alanine, which is neutral and non-polar, with threonine, which is neutral and polar, at codon 865 of the PNPLA6 protein (p.Ala865Thr).

NM_001166114.2(PNPLA6):c.2707G>A (p.Ala903Thr)

Gene: PNPLA6 (patatin like domain 6, lysophospholipase; plus strand). Cytogenetic location: 19p13.2.
Variant type: single nucleotide variant.
Coding change: c.2707G>A on transcript NM_001166114.2 (MANE Select); coding-DNA position 2707, G replaced by A.
Protein change: p.Ala903Thr; replaces alanine 903 with threonine.
Molecular consequence: missense variant.
Genome position (GRCh38, 1-based): chr19:7,554,965, G>A. VCF-style: chr19-7554965-G-A. GRCh37 (hg19) VCF-style: chr19-7619851-G-A.
Other names: c.2593G>A, p.Ala865Thr (NM_006702.5, NM_001166113.1); c.2737G>A, p.Ala913Thr (NM_001166111.2); c.2512G>A, p.Ala838Thr (NM_001166112.2); short protein forms A838T, A913T, A865T, A903T.
Identifiers: ClinVar variation 2184301 (VCV002184301.2), dbSNP rs780967290, ClinGen allele CA9140207.
Genomic context (GRCh38, chr19:7,554,965, plus strand): 5'-CTGGAGAACACGGCTGTGCGCGCCCTTAAGCAGCTAGTCCTGCTCCACCGAGAGGAGGGC[G>A]CGGGCCCCACGCGCACCGTGGAGTGGCTAAATATGCGCAGCTGGTGCTCGGGGCACCTGC-3'
Protein context (NP_001159586.1, residues 893-913): QLVLLHREEG[Ala903Thr]GPTRTVEWLN